The following is an entry in ClinVar:

NM_006227.4(PLTP):c.403C>A (p.Pro135Thr)

Gene: PLTP (phospholipid transfer protein; minus strand). Cytogenetic location: 20q13.12.
Variant type: single nucleotide variant.
Coding change: c.403C>A on transcript NM_006227.4 (MANE Select); coding-DNA position 403, C replaced by A.
Protein change: p.Pro135Thr; replaces proline 135 with threonine.
Molecular consequence: missense variant. On other transcripts: intron variant (2).
Genome position (GRCh38, 1-based): chr20:45,909,598, G>T on the plus strand (C>A on the coding strand, the complement: PLTP is on the minus strand). VCF-style: chr20-45909598-G-T. GRCh37 (hg19) VCF-style: chr20-44538237-G-T.
Other names: c.139C>A, p.Pro47Thr (NM_001242921.1); c.200+1554C>A (NM_001242920.2); c.329+344C>A (NM_182676.3); short protein forms P135T, P47T.
Identifiers: ClinVar variation 4699904 (VCV004699904.1).

ClinVar aggregate classification (germline): Uncertain significance (1 of 4 stars; one submission).

gnomAD v4.1: 26 of 1,614,036 alleles (0.0016%); highest among the groups gnomAD compares: Non-Finnish European, 0.0017%; no homozygotes.

Submission:

Labcorp Genetics (formerly Invitae), Labcorp
Classification: Uncertain significance. Last evaluated: 2025-06-30. Review status: criteria provided, single submitter. Criteria: Invitae Variant Classification Sherloc (09022015). Collection method: clinical testing. Allele origin: germline.
Comment: This sequence change replaces proline, which is neutral and non-polar, with threonine, which is neutral and polar, at codon 135 of the PLTP protein (p.Pro135Thr). This variant is present in population databases (rs762281484, gnomAD 0.004%). This variant has not been reported in the literature in individuals affected with PLTP-related conditions. An algorithm developed to predict the effect of missense changes on protein structure and function (PolyPhen-2) suggests that this variant is likely to be tolerated. In summary, the available evidence is currently insufficient to determine the role of this variant in disease. Therefore, it has been classified as a Variant of Uncertain Significance.